The following is an entry in ClinVar:

ClinVar aggregate classification (germline): Uncertain significance (1 of 4 stars; one submission).

Conditions:
Heterotopia, periventricular, X-linked dominant (PVNH1). Also called: PERIVENTRICULAR NODULAR HETEROTOPIA 1; X-linked periventricular heterotopia; PERIVENTRICULAR NODULAR HETEROTOPIA 4; HETEROTOPIA, PERIVENTRICULAR, 1. Identifiers: Orphanet 2149, Orphanet 82004, MedGen C1848213, MONDO:0010233, OMIM 300049.

Submission:

MVZ Medizinische Genetik Mainz
Classification: Uncertain significance for Heterotopia, periventricular, X-linked dominant. Last evaluated: 2026-04-21. Review status: criteria provided, single submitter. Criteria: UK Practice Guidelines For Variant Classification V4 01 2020. Collection method: clinical testing. Allele origin: germline. Inheritance: Unknown mechanism. Affected: yes. Observed: 1 variant allele.
Comment: ACMG Criteria: PVS1_STR,PM2_SUP

NM_001110556.2(FLNA):c.7756+2T>C

Genes: FLNA (filamin A; minus strand), LOC107988032 (Xq28 proximal FLNA-EMD recombination region; plus strand). Cytogenetic location: Xq28.
Variant type: single nucleotide variant.
Coding change: c.7756+2T>C on transcript NM_001110556.2 (MANE Select); the canonical splice donor site of the intron after coding-DNA position 7756, T replaced by C.
Molecular consequence: splice donor variant.
Genome position (GRCh38, 1-based): chrX:154,349,360, A>G on the plus strand (T>C on the coding strand, the complement: FLNA is on the minus strand). VCF-style: chrX-154349360-A-G. GRCh37 (hg19) VCF-style: chrX-153577728-A-G.
Other names: c.7732+2T>C (NM_001456.4).
Identifiers: ClinVar variation 4852379 (VCV004852379.1).